The following is an entry in ClinVar:

NM_024409.4(NPPC):c.130C>T (p.Gln44Ter)

Gene: NPPC (natriuretic peptide C; minus strand). Cytogenetic location: 2q37.1.
Variant type: single nucleotide variant.
Coding change: c.130C>T on transcript NM_024409.4 (MANE Select); coding-DNA position 130, C replaced by T.
Protein change: p.Gln44Ter; replaces glutamine 44 with a stop codon.
Molecular consequence: nonsense.
Genome position (GRCh38, 1-based): chr2:231,925,676, G>A on the plus strand (C>T on the coding strand, the complement: NPPC is on the minus strand). VCF-style: chr2-231925676-G-A. GRCh37 (hg19) VCF-style: chr2-232790386-G-A.
Other names: short protein forms Q44*.
Identifiers: ClinVar variation 2771642 (VCV002771642.3), dbSNP rs1332383991, ClinGen allele CA351150310.

ClinVar aggregate classification (germline): Uncertain significance (1 of 4 stars; one submission).

Submission:

Labcorp Genetics (formerly Invitae), Labcorp
Classification: Uncertain significance. Last evaluated: 2024-05-22. Review status: criteria provided, single submitter. Criteria: Invitae Variant Classification Sherloc (09022015). Collection method: clinical testing. Allele origin: germline.
Comment: This sequence change creates a premature translational stop signal (p.Gln44*) in the NPPC gene. It is expected to result in an absent or disrupted protein product. However, the current clinical and genetic evidence is not sufficient to establish whether loss-of-function variants in NPPC cause disease. This variant is not present in population databases (gnomAD no frequency). This variant has not been reported in the literature in individuals affected with NPPC-related conditions. In summary, the available evidence is currently insufficient to determine the role of this variant in disease. Therefore, it has been classified as a Variant of Uncertain Significance.